The following is an entry in ClinVar:

ClinVar aggregate classification (germline): Uncertain significance (1 of 4 stars; one submission).

Conditions:
Severe combined immunodeficiency due to DNA-PKcs deficiency. Also called: IMMUNODEFICIENCY 26 WITH NEUROLOGIC ABNORMALITIES; Immunodeficiency 26 with or without neurologic abnormalities. Identifiers: Orphanet 317425, MedGen C4014833, MONDO:0014423, OMIM 615966.

Allele frequency attached by ClinVar (database versions not stated): gnomAD exomes below 0.00001 and 0.00001.

Submission:

Labcorp Genetics (formerly Invitae), Labcorp
Classification: Uncertain significance for Severe combined immunodeficiency due to DNA-PKcs deficiency. Last evaluated: 2022-09-12. Review status: criteria provided, single submitter. Criteria: Invitae Variant Classification Sherloc (09022015). Collection method: clinical testing. Allele origin: germline.
Comment: This sequence change replaces methionine with threonine at codon 1303 of the PRKDC protein (p.Met1303Thr). The methionine residue is weakly conserved and there is a moderate physicochemical difference between methionine and threonine. This variant is not present in population databases (gnomAD no frequency). This variant has not been reported in the literature in individuals affected with PRKDC-related conditions. ClinVar contains an entry for this variant (Variation ID: 1414219). Experimental studies and prediction algorithms are not available or were not evaluated, and the functional significance of this variant is currently unknown. In summary, the available evidence is currently insufficient to determine the role of this variant in disease. Therefore, it has been classified as a Variant of Uncertain Significance.

NM_006904.7(PRKDC):c.3908T>C (p.Met1303Thr)

Gene: PRKDC (protein kinase, DNA-activated, catalytic subunit; minus strand). Cytogenetic location: 8q11.21.
Variant type: single nucleotide variant.
Coding change: c.3908T>C on transcript NM_006904.7 (MANE Select); coding-DNA position 3908, T replaced by C.
Protein change: p.Met1303Thr; replaces methionine 1303 with threonine.
Molecular consequence: missense variant.
Genome position (GRCh38, 1-based): chr8:47,890,420, A>G on the plus strand (T>C on the coding strand, the complement: PRKDC is on the minus strand). VCF-style: chr8-47890420-A-G. GRCh37 (hg19) VCF-style: chr8-48802981-A-G.
Other names: c.3908T>C, p.Met1303Thr (NM_001081640.2); short protein forms M1303T.
Identifiers: ClinVar variation 1414219 (VCV001414219.3), dbSNP rs1377200201, ClinGen allele CA371148988.